The following is an entry in ClinVar:

NM_152618.3(BBS12):c.336A>G (p.Ile112Met)

Gene: BBS12 (Bardet-Biedl syndrome 12; plus strand). Cytogenetic location: 4q27.
Variant type: single nucleotide variant.
Coding change: c.336A>G on transcript NM_152618.3 (MANE Select); coding-DNA position 336, A replaced by G.
Protein change: p.Ile112Met; replaces isoleucine 112 with methionine.
Molecular consequence: missense variant.
Genome position (GRCh38, 1-based): chr4:122,742,228, A>G. VCF-style: chr4-122742228-A-G. GRCh37 (hg19) VCF-style: chr4-123663383-A-G.
Other names: c.336A>G (NM_152618.2); c.336A>G, p.Ile112Met (NM_001178007.2); short protein forms I112M.
Identifiers: ClinVar variation 1979959 (VCV001979959.5), dbSNP rs767601166, ClinGen allele CA3069270.

ClinVar aggregate classification (germline): Uncertain significance. Review status: criteria provided, multiple submitters, no conflicts (2 of 4 stars). 3 submissions from 3 submitters: Uncertain significance (3). Last evaluated 2025-07-14.

Conditions:
BBS12-related disorder. Also called: BBS12-related condition.
Bardet-Biedl syndrome (BBS). Identifiers: Orphanet 110, MedGen C0752166, MONDO:0015229.
Bardet-Biedl syndrome 12 (BBS12). Identifiers: Orphanet 110, MedGen C1859570, MONDO:0014440, OMIM 615989.

Allele frequency attached by ClinVar (database versions not stated): ExAC 0.00001.
gnomAD v4.1: 11 of 1,613,778 alleles (0.00068%); highest among the groups gnomAD compares: Admixed American, 0.005%; no homozygotes.

Submissions (3):

PreventionGenetics, part of Exact Sciences
Classification: Uncertain significance for BBS12-related condition. Last evaluated: 2025-07-14. Review status: criteria provided, single submitter. Criteria: ACMG Guidelines, 2015. Collection method: clinical testing. Allele origin: germline.
Comment: The BBS12 c.336A>G variant is predicted to result in the amino acid substitution p.Ile112Met. To our knowledge, this variant has not been reported in the literature. This variant is reported in 0.0058% of alleles in individuals of Latino descent in gnomAD. At this time, the clinical significance of this variant is uncertain due to the absence of conclusive functional and genetic evidence.

Fulgent Genetics
Classification: Uncertain significance for Bardet-Biedl syndrome 12. Last evaluated: 2024-01-22. Review status: criteria provided, single submitter. Criteria: ACMG Guidelines, 2015. Collection method: clinical testing. Allele origin: germline.

Labcorp Genetics (formerly Invitae), Labcorp
Classification: Uncertain significance for Bardet-Biedl syndrome. Last evaluated: 2024-01-22. Review status: criteria provided, single submitter. Criteria: Invitae Variant Classification Sherloc (09022015). Collection method: clinical testing. Allele origin: germline.
Comment: This sequence change replaces isoleucine, which is neutral and non-polar, with methionine, which is neutral and non-polar, at codon 112 of the BBS12 protein (p.Ile112Met). This variant is present in population databases (rs767601166, gnomAD 0.006%). This variant has not been reported in the literature in individuals affected with BBS12-related conditions. ClinVar contains an entry for this variant (Variation ID: 1979959). Advanced modeling of protein sequence and biophysical properties (such as structural, functional, and spatial information, amino acid conservation, physicochemical variation, residue mobility, and thermodynamic stability) performed at Invitae indicates that this missense variant is expected to disrupt BBS12 protein function with a positive predictive value of 80%. In summary, the available evidence is currently insufficient to determine the role of this variant in disease. Therefore, it has been classified as a Variant of Uncertain Significance.